The following is an entry in ClinVar:

ClinVar aggregate classification (germline): Pathogenic. Review status: criteria provided, multiple submitters, no conflicts (2 of 4 stars). 2 submissions from 2 submitters: Pathogenic (2). Last evaluated 2025-02-18.

Conditions:
Neuromuscular disease caused by qualitative or quantitative defects of dystrophin. Also called: Qualitative or quantitative defects of dystrophin. Identifiers: Orphanet 207085, MedGen C5679787, MONDO:0016147.
Duchenne muscular dystrophy (DMD). Also called: Duchenne Muscular Dystrophy (DMD); MUSCULAR DYSTROPHY, PSEUDOHYPERTROPHIC PROGRESSIVE, DUCHENNE TYPE. Identifiers: Orphanet 98896, MedGen C0013264, MONDO:0010679, OMIM 310200.

Submissions (2):

Women's Health and Genetics/Laboratory Corporation of America, LabCorp
Classification: Pathogenic for Neuromuscular disease caused by qualitative or quantitative defects of dystrophin. Last evaluated: 2025-02-18. Review status: criteria provided, single submitter. Criteria: LabCorp Variant Classification Summary - May 2015. Collection method: clinical testing. Allele origin: germline.
Comment: Variant summary: DMD c.3103C>T (p.Gln1035X) results in a premature termination codon, predicted to cause absence of the protein due to nonsense mediated decay, which is a commonly known mechanism for disease. The variant was absent in 180833 control chromosomes (gnomAD). c.3103C>T has been reported in the literature in an individual affected with Duchenne Muscular Dystrophy (Kong_2019, LOVD). The following publication has been ascertained in the context of this evaluation (PMID: 31412794). ClinVar contains an entry for this variant (Variation ID: 1458082). Based on the evidence outlined above, the variant was classified as pathogenic.

Labcorp Genetics (formerly Invitae), Labcorp
Classification: Pathogenic for Duchenne muscular dystrophy. Last evaluated: 2022-07-19. Review status: criteria provided, single submitter. Criteria: Invitae Variant Classification Sherloc (09022015). Collection method: clinical testing. Allele origin: germline.
Comment: For these reasons, this variant has been classified as Pathogenic. ClinVar contains an entry for this variant (Variation ID: 1458082). This variant has not been reported in the literature in individuals affected with DMD-related conditions. This variant is not present in population databases (gnomAD no frequency). This sequence change creates a premature translational stop signal (p.Gln1035*) in the DMD gene. It is expected to result in an absent or disrupted protein product. Loss-of-function variants in DMD are known to be pathogenic (PMID: 16770791, 25007885).

Literature cited by the submitters: PubMed 31412794 (cited by Women's Health and Genetics/Laboratory Corporation of America, LabCorp); PubMed 16770791 (cited by Labcorp Genetics (formerly Invitae), Labcorp); PubMed 25007885 (cited by Labcorp Genetics (formerly Invitae), Labcorp).

NM_004006.3(DMD):c.3103C>T (p.Gln1035Ter)

Gene: DMD (dystrophin; minus strand). Cytogenetic location: Xp21.1.
Variant type: single nucleotide variant.
Coding change: c.3103C>T on transcript NM_004006.3 (MANE Select); coding-DNA position 3103, C replaced by T.
Protein change: p.Gln1035Ter; replaces glutamine 1035 with a stop codon.
Molecular consequence: nonsense.
Genome position (GRCh38, 1-based): chrX:32,468,557, G>A on the plus strand (C>T on the coding strand, the complement: DMD is on the minus strand). VCF-style: chrX-32468557-G-A. GRCh37 (hg19) VCF-style: chrX-32486674-G-A.
Other names: c.3079C>T, p.Gln1027Ter (NM_000109.4); c.3091C>T, p.Gln1031Ter (NM_004009.3); c.2734C>T, p.Gln912Ter (NM_004010.3); short protein forms Q1031*, Q912*, Q1035*, Q1027*.
Identifiers: ClinVar variation 1458082 (VCV001458082.7), dbSNP rs753006232, ClinGen allele CA412666865.